The following is an entry in ClinVar:

ClinVar aggregate classification (germline): Benign (0 of 4 stars; one submission).

Conditions:
MXI1-related disorder. Also called: MXI1-related condition.

Allele frequency attached by ClinVar (database versions not stated): ESP Exome Variant Server 0.00323; TOPMed 0.00478; gnomAD 0.00516; ExAC 0.00750; 1000 Genomes Project 30x 0.01608; 1000 Genomes Project 0.01697.
gnomAD v4.1: 6,795 of 1,549,852 alleles (0.44%); highest among the groups gnomAD compares: East Asian, 4.4%; 88 homozygotes.

Submissions (8):

PreventionGenetics, part of Exact Sciences
Classification: Benign for MXI1-related condition. Last evaluated: 2019-09-30. Review status: no assertion criteria provided. Collection method: clinical testing. Allele origin: germline.
Comment: This variant is classified as benign based on ACMG/AMP sequence variant interpretation guidelines (Richards et al. 2015 PMID: 25741868, with internal and published modifications).

Dr. Peter K. Rogan Lab, Western University
No classification provided (evidence only). Condition: Acute myeloid leukemia. Review status: no classification provided. Collection method: in vitro. Allele origin: not applicable. Functional consequence: retained intron. Not counted in ClinVar's aggregate classification.

Dr. Peter K. Rogan Lab, Western University
No classification provided (evidence only). Condition: Uterine corpus endometrial carcinoma. Review status: no classification provided. Collection method: in vitro. Allele origin: not applicable. Functional consequence: retained intron. Not counted in ClinVar's aggregate classification.

Dr. Peter K. Rogan Lab, Western University
No classification provided (evidence only). Condition: Gastric cancer. Review status: no classification provided. Collection method: in vitro. Allele origin: not applicable. Functional consequence: retained intron. Not counted in ClinVar's aggregate classification.

Dr. Peter K. Rogan Lab, Western University
No classification provided (evidence only). Condition: Gastric cancer. Review status: no classification provided. Collection method: in vitro. Allele origin: not applicable. Functional consequence: retained intron. Not counted in ClinVar's aggregate classification.

Dr. Peter K. Rogan Lab, Western University
No classification provided (evidence only). Condition: Gastric cancer. Review status: no classification provided. Collection method: in vitro. Allele origin: not applicable. Functional consequence: retained intron. Not counted in ClinVar's aggregate classification.

Dr. Peter K. Rogan Lab, Western University
No classification provided (evidence only). Condition: Gastric cancer. Review status: no classification provided. Collection method: in vitro. Allele origin: not applicable. Functional consequence: retained intron. Not counted in ClinVar's aggregate classification.

Dr. Peter K. Rogan Lab, Western University
No classification provided (evidence only). Condition: Malignant tumor of esophagus. Review status: no classification provided. Collection method: in vitro. Allele origin: not applicable. Functional consequence: retained intron. Not counted in ClinVar's aggregate classification.

NM_130439.3(MXI1):c.725-5G>T

Gene: MXI1 (MAX interactor 1, dimerization protein; plus strand). Cytogenetic location: 10q25.2.
Variant type: single nucleotide variant.
Coding change: c.725-5G>T on transcript NM_130439.3 (MANE Select); 5 bases into the intron before coding-DNA position 725, G replaced by T.
Molecular consequence: intron variant.
Genome position (GRCh38, 1-based): chr10:110,284,819, G>T. VCF-style: chr10-110284819-G-T. GRCh37 (hg19) VCF-style: chr10-112044577-G-T.
Other names: NC_000010.10:g.112044577G>T; c.386-5G>T (NM_001008541.1); c.524-5G>T (NM_005962.5).
Identifiers: ClinVar variation 3037339 (VCV003037339.3), dbSNP rs11195067, ClinGen allele CA5687068.
Genomic context (GRCh38, chr10:110,284,819, plus strand): 5'-TTAGTTTTTGAAGGTGCGCTATACTCGATAATTAATGTTCTTCTTTTTTTTTTTTCCTTT[G>T]GCAGAGGAGATTGAAGTGGATGTTGAAAGCACAGAGTTCTCCCATGGAGAAGTGGACAAT-3'